The following is an entry in ClinVar:

NM_003239.5(TGFB3):c.901G>T (p.Ala301Ser)

Gene: TGFB3 (transforming growth factor beta 3; minus strand). Cytogenetic location: 14q24.3.
Variant type: single nucleotide variant.
Coding change: c.901G>T on transcript NM_003239.5 (MANE Select); coding-DNA position 901, G replaced by T.
Protein change: p.Ala301Ser; replaces alanine 301 with serine.
Molecular consequence: missense variant.
Genome position (GRCh38, 1-based): chr14:75,963,341, C>A on the plus strand (G>T on the coding strand, the complement: TGFB3 is on the minus strand). VCF-style: chr14-75963341-C-A. GRCh37 (hg19) VCF-style: chr14-76429684-C-A.
Other names: c.901G>T, p.Ala301Ser (NM_001329938.2, NM_001329939.2); short protein forms A301S.
Identifiers: ClinVar variation 1308562 (VCV001308562.2), dbSNP rs2035180741, ClinGen allele CA390468205.

ClinVar aggregate classification (germline): Uncertain significance (1 of 4 stars; one submission).

Submission:

GeneDx
Classification: Uncertain significance. Last evaluated: 2019-04-03. Review status: criteria provided, single submitter. Criteria: GeneDx Variant Classification Process June 2021. Collection method: clinical testing. Allele origin: germline. Affected: yes.
Comment: Not observed in large population cohorts (Lek et al., 2016); In silico analysis, which includes protein predictors and evolutionary conservation, supports that this variant does not alter protein structure/function; Has not been previously published as pathogenic or benign to our knowledge